The following is an entry in ClinVar:

NM_014425.5(INVS):c.2263G>A (p.Glu755Lys)

Gene: INVS (inversin; plus strand). Cytogenetic location: 9q31.1.
Variant type: single nucleotide variant.
Coding change: c.2263G>A on transcript NM_014425.5 (MANE Select); coding-DNA position 2263, G replaced by A.
Protein change: p.Glu755Lys; replaces glutamic acid 755 with lysine.
Molecular consequence: missense variant. On other transcripts: non-coding transcript variant (1).
Genome position (GRCh38, 1-based): chr9:100,292,520, G>A. VCF-style: chr9-100292520-G-A. GRCh37 (hg19) VCF-style: chr9-103054802-G-A.
Other names: c.1975G>A, p.Glu659Lys (NM_001318381.2); c.1285G>A, p.Glu429Lys (NM_001318382.2); c.2263G>A (NM_014425.3); short protein forms E429K, E755K, E659K.
Identifiers: ClinVar variation 1040451 (VCV001040451.8), dbSNP rs774692372, ClinGen allele CA5158587.

ClinVar aggregate classification (germline): Uncertain significance. Review status: criteria provided, multiple submitters, no conflicts (2 of 4 stars). 2 submissions from 2 submitters: Uncertain significance (2). Last evaluated 2021-08-27.

Conditions:
Nephronophthisis. Also called: Juvenile Nephronophthisis. Identifiers: Orphanet 655, MedGen C0687120, MONDO:0019005, HP:0000090.
Infantile nephronophthisis (NPHP2). Also called: Nephronophthisis 2, infantile; Nephronophthisis 2. Identifiers: Orphanet 655, Orphanet 93591, MedGen C1865872, MONDO:0011190, OMIM 602088.

Allele frequency attached by ClinVar (database versions not stated): gnomAD exomes below 0.00001 and 0.00002; ExAC 0.00001.
gnomAD v4.1: 8 of 1,614,186 alleles (0.0005%); highest among the groups gnomAD compares: South Asian, 0.0077%; no homozygotes.

Submissions (2):

Labcorp Genetics (formerly Invitae), Labcorp
Classification: Uncertain significance for Nephronophthisis. Last evaluated: 2021-08-27. Review status: criteria provided, single submitter. Criteria: Invitae Variant Classification Sherloc (09022015). Collection method: clinical testing. Allele origin: germline.
Comment: This sequence change replaces glutamic acid with lysine at codon 755 of the INVS protein (p.Glu755Lys). The glutamic acid residue is moderately conserved and there is a small physicochemical difference between glutamic acid and lysine. This variant is present in population databases (rs774692372, ExAC 0.006%). This variant has not been reported in the literature in individuals affected with INVS-related conditions. Algorithms developed to predict the effect of missense changes on protein structure and function (SIFT, PolyPhen-2, Align-GVGD) all suggest that this variant is likely to be tolerated. In summary, the available evidence is currently insufficient to determine the role of this variant in disease. Therefore, it has been classified as a Variant of Uncertain Significance.

Revvity Omics, Revvity
Classification: Uncertain significance for Infantile nephronophthisis. Last evaluated: 2020-04-15. Review status: criteria provided, single submitter. Criteria: ACMG Guidelines, 2015. Collection method: clinical testing. Allele origin: germline.